The following is an entry in ClinVar:

NC_000020.10:g.(?_43047045)_(43280248_?)del

Genes: HNF4A (hepatocyte nuclear factor 4 alpha; plus strand), PKIG (cAMP-dependent protein kinase inhibitor gamma; plus strand), SERINC3 (serine incorporator 3; minus strand), TTPAL (alpha tocopherol transfer protein like; plus strand), ADA (adenosine deaminase; minus strand). Cytogenetic location: 20q13.12.
Variant type: Deletion.
Identifiers: ClinVar variation 2427543 (VCV002427543.2).

ClinVar aggregate classification (germline): Pathogenic (1 of 4 stars; one submission).

Submission:

Labcorp Genetics (formerly Invitae), Labcorp
Classification: Pathogenic. Last evaluated: 2022-05-20. Review status: criteria provided, single submitter. Criteria: Invitae Variant Classification Sherloc (09022015). Collection method: clinical testing. Allele origin: germline.
Comment: For these reasons, this variant has been classified as Pathogenic. This variant disrupts a region of the HNF4A protein in which other variant(s) (p.Arg245Cys) have been determined to be pathogenic (PMID: 30026763, 31957151; Invitae). This suggests that this is a clinically significant region of the protein, and that variants that disrupt it are likely to be disease-causing. A similar copy number variant has been observed in individual(s) with maturity onset diabetes of the young (Invitae). This variant is a gross deletion of the genomic region encompassing exon(s) 6-10 of the HNF4A gene, which includes the termination codon. This deletion extends beyond the assayed region for this gene and therefore may encompass additional genes. While this deletion is not anticipated to lead to nonsense mediated decay, it is expected to alter mRNA translation or result in a truncated protein product.

Literature cited by the submitters: PubMed 30026763; PubMed 31957151.